The following is an entry in ClinVar:

GRCh38/hg38 6q26(chr6:162163268-162378349)x1

Genes: LNCR-SMAL (lncRNA senescence and mitophagy associated regulator of PRKN; plus strand), PRKN (parkin RBR E3 ubiquitin protein ligase; minus strand), LOC126859871 (MED14-independent group 3 enhancer GRCh37_chr6:162621359-162622558; plus strand). Cytogenetic location: 6q26.
Variant type: copy number loss.
Change: copy number 1 (one copy instead of two) of chr6:162,163,268-162,378,349 (215.1 kb, GRCh38 coordinates, 1-based), cytogenetic band 6q26.
Identifiers: ClinVar variation 58832 (VCV000058832.1).

ClinVar aggregate classification (germline): Uncertain significance (1 of 4 stars; one submission).

Submission:

ISCA site 14
Classification: Uncertain significance. Last evaluated: 2011-08-12. Review status: criteria provided, single submitter. Criteria: Kaminsky et al. (Genet Med. 2011). Collection method: clinical testing. Allele origin: unknown. Affected: yes. Observed: 1 variant allele.
Comment: Copy number variation identified through the course of routine clinical cytogenomic testing in postnatal populations. Clinical assertions have been curated as described in Kaminsky et al. 2011.